The following is an entry in ClinVar:

NM_004281.4(BAG3):c.461T>C (p.Val154Ala)

Gene: BAG3 (BAG cochaperone 3; plus strand). Cytogenetic location: 10q26.11.
Variant type: single nucleotide variant.
Coding change: c.461T>C on transcript NM_004281.4 (MANE Select); coding-DNA position 461, T replaced by C.
Protein change: p.Val154Ala; replaces valine 154 with alanine.
Molecular consequence: missense variant.
Genome position (GRCh38, 1-based): chr10:119,670,131, T>C. VCF-style: chr10-119670131-T-C. GRCh37 (hg19) VCF-style: chr10-121429643-T-C.
Other names: short protein forms V154A.
Identifiers: ClinVar variation 955571 (VCV000955571.9), dbSNP rs1405459015, ClinGen allele CA378295142.

ClinVar aggregate classification (germline): Uncertain significance (1 of 4 stars; one submission).

Conditions:
Dilated cardiomyopathy 1HH (CMD1HH). Identifiers: Orphanet 154, MedGen C3151293, MONDO:0013479, OMIM 613881.
Myofibrillar myopathy 6. Identifiers: Orphanet 199340, MedGen C2751831, MONDO:0013061, OMIM 612954.

Allele frequency attached by ClinVar (database versions not stated): TOPMed 0.00002.

Submission:

Labcorp Genetics (formerly Invitae), Labcorp
Classification: Uncertain significance for Dilated cardiomyopathy 1HH; Myofibrillar myopathy 6. Last evaluated: 2022-09-06. Review status: criteria provided, single submitter. Criteria: Invitae Variant Classification Sherloc (09022015). Collection method: clinical testing. Allele origin: germline.
Comment: This sequence change replaces valine, which is neutral and non-polar, with alanine, which is neutral and non-polar, at codon 154 of the BAG3 protein (p.Val154Ala). This variant is not present in population databases (gnomAD no frequency). This variant has not been reported in the literature in individuals affected with BAG3-related conditions. ClinVar contains an entry for this variant (Variation ID: 955571). Algorithms developed to predict the effect of missense changes on protein structure and function output the following: SIFT: "Tolerated"; PolyPhen-2: "Benign"; Align-GVGD: "Class C0". The alanine amino acid residue is found in multiple mammalian species, which suggests that this missense change does not adversely affect protein function. In summary, the available evidence is currently insufficient to determine the role of this variant in disease. Therefore, it has been classified as a Variant of Uncertain Significance.